The following is an entry in ClinVar:

ClinVar aggregate classification (germline): Uncertain significance (1 of 4 stars; one submission).

Conditions:
Hyperammonemia, type III (NAGSD). Also called: Hyperammonemia due to N-acetylglutamate synthase deficiency. Identifiers: Orphanet 927, MedGen C0268543, MONDO:0009377, OMIM 237310.

Allele frequency attached by ClinVar (database versions not stated): gnomAD exomes below 0.00001.
gnomAD v4.1: 1 of 1,612,944 alleles (0.000062%); highest among the groups gnomAD compares: South Asian, 0.0011%; no homozygotes.

Submission:

Labcorp Genetics (formerly Invitae), Labcorp
Classification: Uncertain significance for Hyperammonemia, type III. Last evaluated: 2022-05-12. Review status: criteria provided, single submitter. Criteria: Invitae Variant Classification Sherloc (09022015). Collection method: clinical testing. Allele origin: germline.
Comment: In summary, the available evidence is currently insufficient to determine the role of this variant in disease. Therefore, it has been classified as a Variant of Uncertain Significance. Algorithms developed to predict the effect of missense changes on protein structure and function are either unavailable or do not agree on the potential impact of this missense change (SIFT: "Tolerated"; PolyPhen-2: "Probably Damaging"; Align-GVGD: "Class C0"). This variant has not been reported in the literature in individuals affected with NAGS-related conditions. This variant is not present in population databases (gnomAD no frequency). This sequence change replaces glycine, which is neutral and non-polar, with alanine, which is neutral and non-polar, at codon 262 of the NAGS protein (p.Gly262Ala).

NM_153006.3(NAGS):c.785G>C (p.Gly262Ala)

Gene: NAGS (N-acetylglutamate synthase; plus strand). Cytogenetic location: 17q21.31.
Variant type: single nucleotide variant.
Coding change: c.785G>C on transcript NM_153006.3 (MANE Select); coding-DNA position 785, G replaced by C.
Protein change: p.Gly262Ala; replaces glycine 262 with alanine.
Molecular consequence: missense variant.
Genome position (GRCh38, 1-based): chr17:44,006,107, G>C. VCF-style: chr17-44006107-G-C. GRCh37 (hg19) VCF-style: chr17-42083475-G-C.
Other names: short protein forms G262A.
Identifiers: ClinVar variation 2134105 (VCV002134105.4), dbSNP rs2509280396, ClinGen allele CA399725482.